The following is an entry in ClinVar:

NM_002471.4(MYH6):c.5017A>G (p.Ile1673Val)

Genes: MYH6 (myosin heavy chain 6; minus strand), LOC126861896 (BRD4-independent group 4 enhancer GRCh37_chr14:23854904-23856103; plus strand). Cytogenetic location: 14q11.2.
Variant type: single nucleotide variant.
Coding change: c.5017A>G on transcript NM_002471.4 (MANE Select); coding-DNA position 5017, A replaced by G.
Protein change: p.Ile1673Val; replaces isoleucine 1673 with valine.
Molecular consequence: missense variant.
Genome position (GRCh38, 1-based): chr14:23,386,074, T>C on the plus strand (A>G on the coding strand, the complement: MYH6 is on the minus strand). VCF-style: chr14-23386074-T-C. GRCh37 (hg19) VCF-style: chr14-23855283-T-C.
Other names: short protein forms I1673V.
Identifiers: ClinVar variation 3611370 (VCV003611370.2).

ClinVar aggregate classification (germline): Uncertain significance (1 of 4 stars; one submission).

Conditions:
Hypertrophic cardiomyopathy 14. Identifiers: MedGen C2750467, MONDO:0013197, OMIM 613251.

Submission:

Labcorp Genetics (formerly Invitae), Labcorp
Classification: Uncertain significance for Hypertrophic cardiomyopathy 14. Last evaluated: 2024-05-06. Review status: criteria provided, single submitter. Criteria: Invitae Variant Classification Sherloc (09022015). Collection method: clinical testing. Allele origin: germline.
Comment: This sequence change replaces isoleucine, which is neutral and non-polar, with valine, which is neutral and non-polar, at codon 1673 of the MYH6 protein (p.Ile1673Val). This variant is not present in population databases (gnomAD no frequency). This variant has not been reported in the literature in individuals affected with MYH6-related conditions. Advanced modeling of protein sequence and biophysical properties (such as structural, functional, and spatial information, amino acid conservation, physicochemical variation, residue mobility, and thermodynamic stability) performed at Invitae indicates that this missense variant is not expected to disrupt MYH6 protein function with a negative predictive value of 80%. In summary, the available evidence is currently insufficient to determine the role of this variant in disease. Therefore, it has been classified as a Variant of Uncertain Significance.